The following is an entry in ClinVar:

NM_004752.4(GCM2):c.256G>T (p.Val86Leu)

Gene: GCM2 (glial cells missing transcription factor 2; minus strand). Cytogenetic location: 6p24.2.
Variant type: single nucleotide variant.
Coding change: c.256G>T on transcript NM_004752.4 (MANE Select); coding-DNA position 256, G replaced by T.
Protein change: p.Val86Leu; replaces valine 86 with leucine.
Molecular consequence: missense variant.
Genome position (GRCh38, 1-based): chr6:10,877,227, C>A on the plus strand (G>T on the coding strand, the complement: GCM2 is on the minus strand). VCF-style: chr6-10877227-C-A. GRCh37 (hg19) VCF-style: chr6-10877460-C-A.
Other names: short protein forms V86L.
Identifiers: ClinVar variation 1969751 (VCV001969751.5), dbSNP rs753594477, ClinGen allele CA362724695.

ClinVar aggregate classification (germline): Uncertain significance (1 of 4 stars; one submission).

Submission:

Labcorp Genetics (formerly Invitae), Labcorp
Classification: Uncertain significance. Last evaluated: 2025-06-12. Review status: criteria provided, single submitter. Criteria: Invitae Variant Classification Sherloc (09022015). Collection method: clinical testing. Allele origin: germline.
Comment: This sequence change replaces valine, which is neutral and non-polar, with leucine, which is neutral and non-polar, at codon 86 of the GCM2 protein (p.Val86Leu). This variant is not present in population databases (gnomAD no frequency). This variant has not been reported in the literature in individuals affected with GCM2-related conditions. ClinVar contains an entry for this variant (Variation ID: 1969751). Invitae Evidence Modeling of protein sequence and biophysical properties (such as structural, functional, and spatial information, amino acid conservation, physicochemical variation, residue mobility, and thermodynamic stability) indicates that this missense variant is not expected to disrupt GCM2 protein function with a negative predictive value of 80%. In summary, the available evidence is currently insufficient to determine the role of this variant in disease. Therefore, it has been classified as a Variant of Uncertain Significance.